The following is an entry in ClinVar:

NM_000214.3(JAG1):c.220T>G (p.Tyr74Asp)

Gene: JAG1 (jagged canonical Notch ligand 1; minus strand). Cytogenetic location: 20p12.2.
Variant type: single nucleotide variant.
Coding change: c.220T>G on transcript NM_000214.3 (MANE Select); coding-DNA position 220, T replaced by G.
Protein change: p.Tyr74Asp; replaces tyrosine 74 with aspartic acid.
Molecular consequence: missense variant.
Genome position (GRCh38, 1-based): chr20:10,672,868, A>C on the plus strand (T>G on the coding strand, the complement: JAG1 is on the minus strand). VCF-style: chr20-10672868-A-C. GRCh37 (hg19) VCF-style: chr20-10653516-A-C.
Other names: short protein forms Y74D.
Identifiers: ClinVar variation 3573258 (VCV003573258.2).

Conditions:
Arteriohepatic dysplasia. Also called: Alagille Syndrome. Identifiers: Orphanet 52, MedGen C0085280, MeSH D016738, MONDO:0007318.

Submission:

Gilbert/Spinner Lab, Children's Hospital of Philadelphia
No classification provided (evidence only). Condition: Alagille syndrome. Review status: no classification provided. Collection method: research. Allele origin: not applicable. Functional consequence: functionally_abnormal.
ClinVar note: "not provided" was previously submitted as the classification for the variant. However, the classification appeared to be based only on an observation of functional data so it was converted to no classification on 2025-07-30.